The following is an entry in ClinVar:

NM_020780.2(DISP3):c.151C>G (p.Leu51Val)

Gene: DISP3 (dispatched RND transporter family member 3; plus strand). Cytogenetic location: 1p36.22.
Variant type: single nucleotide variant.
Coding change: c.151C>G on transcript NM_020780.2 (MANE Select); coding-DNA position 151, C replaced by G.
Protein change: p.Leu51Val; replaces leucine 51 with valine.
Molecular consequence: missense variant.
Genome position (GRCh38, 1-based): chr1:11,501,143, C>G. VCF-style: chr1-11501143-C-G. GRCh37 (hg19) VCF-style: chr1-11561200-C-G.
Other names: short protein forms L51V.
Identifiers: ClinVar variation 721203 (VCV000721203.6), dbSNP rs3738159, ClinGen allele CA591339.
Genomic context (GRCh38, chr1:11,501,143, plus strand): 5'-GCCCAGAAGCCAGGGCCCCAACCTGGGGCAGGGGGACAGTGTTGCTGGCGGCACTGGCCC[C>G]TGGCTTCCCGACCCCCAGCTTCGGGCTTCTGGAGTACCCTGGGCTGGGCCTTCACCAATC-3'
Protein context (NP_065831.1, residues 41-61): GGQCCWRHWP[Leu51Val]ASRPPASGFW

ClinVar aggregate classification (germline): Benign. Review status: criteria provided, multiple submitters, no conflicts (2 of 4 stars). 3 submissions from 3 submitters: Benign (2). 1 of the submissions does not count toward it. Last evaluated 2018-03-29.

Conditions:
DISP3-related disorder. Also called: DISP3-related condition.

Allele frequency attached by ClinVar (database versions not stated): gnomAD 0.00098 and 0.00134; gnomAD exomes 0.00105 and 0.00351; TOPMed 0.00197; ExAC 0.00310; 1000 Genomes Project 0.00479; 1000 Genomes Project 30x 0.00484.

Submissions (3):

Labcorp Genetics (formerly Invitae), Labcorp
Classification: Benign. Last evaluated: 2018-03-29. Review status: criteria provided, single submitter. Criteria: Invitae Variant Classification Sherloc (09022015). Collection method: clinical testing. Allele origin: germline.

Breakthrough Genomics
Classification: Benign. Review status: criteria provided, single submitter. Criteria: ACMG Guidelines, 2015. Collection method: not provided. Allele origin: germline. Inheritance: Unknown mechanism. Affected: yes.

PreventionGenetics, part of Exact Sciences
Classification: Benign for DISP3-related condition. Last evaluated: 2019-06-13. Review status: no assertion criteria provided. Collection method: clinical testing. Allele origin: germline. Not counted in ClinVar's aggregate classification.
Comment: This variant is classified as benign based on ACMG/AMP sequence variant interpretation guidelines (Richards et al. 2015 PMID: 25741868, with internal and published modifications).